The following is an entry in ClinVar:

ClinVar aggregate classification (germline): Uncertain significance (1 of 4 stars; one submission).

Conditions:
Inborn genetic diseases. Identifiers: MedGen C0950123, MeSH D030342.

gnomAD v4.1: 2 of 1,613,974 alleles (0.00012%); highest among the groups gnomAD compares: Non-Finnish European, 0.00017%; no homozygotes.

Submission:

Ambry Genetics
Classification: Uncertain significance for Inborn genetic diseases. Last evaluated: 2019-12-30. Review status: criteria provided, single submitter. Criteria: Ambry Variant Classification Scheme 2023. Collection method: clinical testing. Allele origin: germline.
Comment: The p.S197A variant (also known as c.589T>G), located in coding exon 2 of the EGR2 gene, results from a T to G substitution at nucleotide position 589. The serine at codon 197 is replaced by alanine, an amino acid with similar properties. This amino acid position is not well conserved in available vertebrate species. In addition, this alteration is predicted to be tolerated by in silico analysis. Since supporting evidence is limited at this time, the clinical significance of this alteration remains unclear.

NM_000399.5(EGR2):c.589T>G (p.Ser197Ala)

Gene: EGR2 (early growth response 2; minus strand). Cytogenetic location: 10q21.3.
Variant type: single nucleotide variant.
Coding change: c.589T>G on transcript NM_000399.5 (MANE Select); coding-DNA position 589, T replaced by G.
Protein change: p.Ser197Ala; replaces serine 197 with alanine.
Molecular consequence: missense variant.
Genome position (GRCh38, 1-based): chr10:62,814,049, A>C on the plus strand (T>G on the coding strand, the complement: EGR2 is on the minus strand). VCF-style: chr10-62814049-A-C. GRCh37 (hg19) VCF-style: chr10-64573809-A-C.
Other names: c.589T>G, p.Ser197Ala (NM_001136177.3, NM_001136178.2); c.439T>G, p.Ser147Ala (NM_001136179.3, NM_001321037.2); c.628T>G, p.Ser210Ala (NM_001410931.1); short protein forms S147A, S210A, S197A.
Identifiers: ClinVar variation 1750371 (VCV001750371.2), dbSNP rs1471588503, ClinGen allele CA377029815.